The following is an entry in ClinVar:

ClinVar aggregate classification (germline): Uncertain significance. Review status: criteria provided, multiple submitters, no conflicts (2 of 4 stars). 2 submissions from 2 submitters: Uncertain significance (2). Last evaluated 2022-08-23.

Conditions:
ALG1-congenital disorder of glycosylation. Also called: CONGENITAL DISORDER OF GLYCOSYLATION, TYPE Ik; CDG Ik; ALG1-CDG. Identifiers: Orphanet 79327, MedGen C2931005, MONDO:0012052, OMIM 608540.

Allele frequency attached by ClinVar (database versions not stated): gnomAD exomes below 0.00001; ExAC 0.00001; TOPMed 0.00001; ESP Exome Variant Server 0.00014.
gnomAD v4.1: 2 of 1,596,464 alleles (0.00013%); highest among the groups gnomAD compares: South Asian, 0.0011%; no homozygotes.

Submissions (2):

Labcorp Genetics (formerly Invitae), Labcorp
Classification: Uncertain significance for ALG1-congenital disorder of glycosylation. Last evaluated: 2022-08-23. Review status: criteria provided, single submitter. Criteria: Invitae Variant Classification Sherloc (09022015). Collection method: clinical testing. Allele origin: germline.
Comment: This sequence change replaces tryptophan, which is neutral and slightly polar, with arginine, which is basic and polar, at codon 449 of the ALG1 protein (p.Trp449Arg). The frequency data for this variant in the population databases is considered unreliable, as metrics indicate poor data quality at this position in the gnomAD database. This variant has not been reported in the literature in individuals affected with ALG1-related conditions. ClinVar contains an entry for this variant (Variation ID: 1494906). Advanced modeling of protein sequence and biophysical properties (such as structural, functional, and spatial information, amino acid conservation, physicochemical variation, residue mobility, and thermodynamic stability) performed at Invitae indicates that this missense variant is expected to disrupt ALG1 protein function. In summary, the available evidence is currently insufficient to determine the role of this variant in disease. Therefore, it has been classified as a Variant of Uncertain Significance.

Juno Genomics, Hangzhou Juno Genomics, Inc
Classification: Uncertain significance for ALG1-congenital disorder of glycosylation. Review status: criteria provided, single submitter. Criteria: ACMG Guidelines, 2015. Collection method: clinical testing. Allele origin: germline.
Comment: Absent from controls (or at extremely low frequency if recessive) in Genome Aggregation Database.;Multiple lines of computational evidence support a deleterious effect on the gene or gene product.

NM_019109.5(ALG1):c.1345T>C (p.Trp449Arg)

Genes: ALG1 (ALG1 chitobiosyldiphosphodolichol beta-mannosyltransferase; plus strand), EEF2KMT (eukaryotic elongation factor 2 lysine methyltransferase; minus strand). Cytogenetic location: 16p13.3.
Variant type: single nucleotide variant.
Coding change: c.1345T>C on transcript NM_019109.5 (MANE Select); coding-DNA position 1345, T replaced by C.
Protein change: p.Trp449Arg; replaces tryptophan 449 with arginine.
Molecular consequence: missense variant. On other transcripts: 3 prime UTR variant (3).
Genome position (GRCh38, 1-based): chr16:5,084,831, T>C. VCF-style: chr16-5084831-T-C. GRCh37 (hg19) VCF-style: chr16-5134832-T-C.
Other names: c.*801A>G (NM_001289029.2, NM_201400.4, NM_201598.4); c.1012T>C, p.Trp338Arg (NM_001330504.2); short protein forms W338R, W449R.
Identifiers: ClinVar variation 1494906 (VCV001494906.5), dbSNP rs144047909, ClinGen allele CA7890345.